The following is an entry in ClinVar:

ClinVar aggregate classification (germline): Uncertain significance. Review status: criteria provided, multiple submitters, no conflicts (2 of 4 stars). 3 submissions from 3 submitters: Uncertain significance (3). Last evaluated 2025-08-30.

Conditions:
Age related macular degeneration 1 (ARMD1). Also called: MACULOPATHY, AGE-RELATED, 1. Identifiers: MedGen C1864205, MONDO:0011285, OMIM 603075.

Allele frequency attached by ClinVar (database versions not stated): gnomAD 0.00001; TOPMed 0.00001; gnomAD exomes 0.00007; ExAC 0.00008.
gnomAD v4.1: 102 of 1,581,872 alleles (0.0064%); highest among the groups gnomAD compares: East Asian, 0.02%; no homozygotes.

Submissions (3):

Ambry Genetics
Classification: Uncertain significance. Last evaluated: 2025-08-30. Review status: criteria provided, single submitter. Criteria: Ambry Variant Classification Scheme 2023. Collection method: clinical testing. Allele origin: germline.

Labcorp Genetics (formerly Invitae), Labcorp
Classification: Uncertain significance. Last evaluated: 2025-05-04. Review status: criteria provided, single submitter. Criteria: Invitae Variant Classification Sherloc (09022015). Collection method: clinical testing. Allele origin: germline.
Comment: This sequence change replaces asparagine, which is neutral and polar, with serine, which is neutral and polar, at codon 2959 of the HMCN1 protein (p.Asn2959Ser). This variant is present in population databases (rs778469245, gnomAD 0.07%), and has an allele count higher than expected for a pathogenic variant. This variant has not been reported in the literature in individuals affected with HMCN1-related conditions. ClinVar contains an entry for this variant (Variation ID: 2078600). An algorithm developed to predict the effect of missense changes on protein structure and function (PolyPhen-2) suggests that this variant is likely to be disruptive. In summary, the available evidence is currently insufficient to determine the role of this variant in disease. Therefore, it has been classified as a Variant of Uncertain Significance.

Genome-Nilou Lab
Classification: Uncertain significance for Age related macular degeneration 1. Last evaluated: 2023-04-11. Review status: criteria provided, single submitter. Criteria: ACMG Guidelines, 2015. Collection method: clinical testing. Allele origin: germline. Affected: no.

NM_031935.3(HMCN1):c.8876A>G (p.Asn2959Ser)

Gene: HMCN1 (hemicentin 1; plus strand). Cytogenetic location: 1q31.1.
Variant type: single nucleotide variant.
Coding change: c.8876A>G on transcript NM_031935.3 (MANE Select); coding-DNA position 8876, A replaced by G.
Protein change: p.Asn2959Ser; replaces asparagine 2959 with serine.
Molecular consequence: missense variant.
Genome position (GRCh38, 1-based): chr1:186,082,953, A>G. VCF-style: chr1-186082953-A-G. GRCh37 (hg19) VCF-style: chr1-186052085-A-G.
Other names: short protein forms N2959S.
Identifiers: ClinVar variation 2078600 (VCV002078600.7), dbSNP rs778469245, ClinGen allele CA1293242.
Genomic context (GRCh38, chr1:186,082,953, plus strand): 5'-GCAGGTATGTGTGTGTTGCTGAGAACACAGCTGGGAGTGCCAAAAAATATTTTAACCTCA[A>G]TGTTCATGGTAAGAGCTCAGTTCCAAAACCATCTGTTAGGGTATGCTTGGAAAAGCAGAA-3'
Protein context (NP_114141.2, residues 2949-2969): AGSAKKYFNL[Asn2959Ser]VHVPPSVIGP